The following is an entry in ClinVar:

NM_024529.5(CDC73):c.1219A>G (p.Arg407Gly)

Gene: CDC73 (cell division cycle 73; plus strand). Cytogenetic location: 1q31.2.
Variant type: single nucleotide variant.
Coding change: c.1219A>G on transcript NM_024529.5 (MANE Select); coding-DNA position 1219, A replaced by G.
Protein change: p.Arg407Gly; replaces arginine 407 with glycine.
Molecular consequence: missense variant.
Genome position (GRCh38, 1-based): chr1:193,233,057, A>G. VCF-style: chr1-193233057-A-G. GRCh37 (hg19) VCF-style: chr1-193202187-A-G.
Other names: short protein forms R407G.
Identifiers: ClinVar variation 2450577 (VCV002450577.2), dbSNP rs2527493912, ClinGen allele CA344077853.

ClinVar aggregate classification (germline): Uncertain significance (1 of 4 stars; one submission).

Conditions:
Hereditary cancer-predisposing syndrome. Also called: Neoplastic Syndromes, Hereditary; Tumor predisposition; Hereditary neoplastic syndrome; Hereditary Cancer Syndrome. Identifiers: Orphanet 140162, MedGen C0027672, MeSH D009386, MONDO:0015356.

Submission:

Ambry Genetics
Classification: Uncertain significance for Hereditary cancer-predisposing syndrome. Last evaluated: 2022-12-18. Review status: criteria provided, single submitter. Criteria: Ambry Variant Classification Scheme 2023. Collection method: clinical testing. Allele origin: germline.
Comment: The p.R407G variant (also known as c.1219A>G), located in coding exon 14 of the CDC73 gene, results from an A to G substitution at nucleotide position 1219. The arginine at codon 407 is replaced by glycine, an amino acid with dissimilar properties. This amino acid position is conserved. In addition, this alteration is predicted to be deleterious by in silico analysis. Since supporting evidence is limited at this time, the clinical significance of this alteration remains unclear.